The following is an entry in ClinVar:

NM_058216.3(RAD51C):c.783A>C (p.Leu261Phe)

Gene: RAD51C (RAD51 paralog C; plus strand). Cytogenetic location: 17q22.
Variant type: single nucleotide variant.
Coding change: c.783A>C on transcript NM_058216.3 (MANE Select); coding-DNA position 783, A replaced by C.
Protein change: p.Leu261Phe; replaces leucine 261 with phenylalanine.
Molecular consequence: missense variant. On other transcripts: non-coding transcript variant (1).
Genome position (GRCh38, 1-based): chr17:58,709,936, A>C. VCF-style: chr17-58709936-A-C. GRCh37 (hg19) VCF-style: chr17-56787297-A-C.
Other names: short protein forms L261F.
Identifiers: ClinVar variation 630708 (VCV000630708.5), dbSNP rs138643096, ClinGen allele CA400353986.
Genomic context (GRCh38, chr17:58,709,936, plus strand): 5'-GGATGGTATTGCTTTTCCATTTCGTCATGACCTAGATGACCTGTCTCTTCGTACTCGGTT[A>C]TTAAATGGCCTAGCCCAGCAAATGATCAGCCTTGCAAATAATCACAGATTAGCTGTAAGT-3'
Protein context (NP_478123.1, residues 251-271): DLDDLSLRTR[Leu261Phe]LNGLAQQMIS

ClinVar aggregate classification (germline): Uncertain significance (1 of 4 stars; one submission).

Conditions:
Hereditary cancer-predisposing syndrome. Also called: Tumor predisposition; Neoplastic Syndromes, Hereditary; Hereditary neoplastic syndrome; Hereditary Cancer Syndrome. Identifiers: Orphanet 140162, MedGen C0027672, MeSH D009386, MONDO:0015356.

Submission:

Color Diagnostics, LLC DBA Color Health
Classification: Uncertain significance for Hereditary cancer-predisposing syndrome. Last evaluated: 2023-12-05. Review status: criteria provided, single submitter. Criteria: ACMG Guidelines, 2015. Collection method: clinical testing. Allele origin: germline.
Comment: This missense variant replaces leucine with phenylalanine at codon 261 of the RAD51C protein. Computational prediction suggests that this variant may not impact protein structure and function (internally defined REVEL score threshold <= 0.5, PMID: 27666373). To our knowledge, functional studies have not been reported for this variant. This variant has not been reported in individuals affected with RAD51C-related disorders in the literature. This variant has not been identified in the general population by the Genome Aggregation Database (gnomAD). The available evidence is insufficient to determine the role of this variant in disease conclusively. Therefore, this variant is classified as a Variant of Uncertain Significance.